The following is an entry in ClinVar:

ClinVar aggregate classification (germline): Pathogenic (1 of 4 stars; one submission).

Submission:

CeGaT Center for Human Genetics Tuebingen
Classification: Pathogenic. Last evaluated: 2024-11-01. Review status: criteria provided, single submitter. Criteria: CeGaT Center For Human Genetics Tuebingen Variant Classification Criteria Version 2. Collection method: clinical testing. Allele origin: germline. Affected: yes. Observed: 1 variant allele.
Comment: MSH6: PVS1, PM2

NM_000179.3(MSH6):c.2966del (p.Asn989fs)

Gene: MSH6 (mutS homolog 6; plus strand). Cytogenetic location: 2p16.3.
Variant type: Deletion.
Coding change: c.2966del on transcript NM_000179.3 (MANE Select); coding-DNA position 2966, one base deleted (A; older notation c.2966delA).
Protein change: p.Asn989fs; shifts the reading frame from asparagine 989.
Molecular consequence: frameshift variant. On other transcripts: non-coding transcript variant (5), intron variant (2).
Genome position (GRCh38, 1-based): chr2:47,800,949, A deleted; the last of 2 consecutive A bases (chr2:47,800,948-47,800,949); deleting either gives the same sequence. VCF-style (leftmost placement, unchanged base first): chr2-47800947-CA-C. GRCh37 (hg19) VCF-style: chr2-48028086-CA-C.
Other names: c.2966del, p.Asn989fs (NM_001406798.1, NM_001406800.1, NM_001406808.1 and 2 more transcripts); c.2441del, p.Asn814fs (NM_001406799.1, NM_001406806.1, NM_001406807.1); c.2669del, p.Asn890fs (NM_001406801.1, NM_001406805.1, NM_001406818.1 and 10 more transcripts); c.3062del, p.Asn1021fs (NM_001406802.1, NM_001406795.1); c.2888del, p.Asn963fs (NM_001406804.1); c.2060del, p.Asn687fs (NM_001406811.1, NM_001406812.1, NM_001406814.1 and 6 more transcripts); c.2972del, p.Asn991fs (NM_001406813.1); c.2798del, p.Asn933fs (NM_001406826.1); and 4 more; short protein forms N1021fs, N304fs, N687fs, N814fs, N859fs, N890fs, N933fs, N963fs.
Identifiers: ClinVar variation 3390147 (VCV003390147.14).
Genomic context (GRCh38, chr2:47,800,947, plus strand): 5'-CTATTGGGGGATTGGTAGGAACCGTTACCAGCTGGAAATTCCTGAGAATTTCACCACTCG[CA>C]ATTTGCCAGAAGAATACGAGTTGAAATCTACCAAGAAGGGCTGTAAACGATACTGGACCA-3'